The following is an entry in ClinVar:

NM_005343.4(HRAS):c.55C>A (p.Leu19Met)

Genes: HRAS (HRas proto-oncogene, GTPase; minus strand), LRRC56 (leucine rich repeat containing 56; plus strand). Cytogenetic location: 11p15.5.
Variant type: single nucleotide variant.
Coding change: c.55C>A on transcript NM_005343.4 (MANE Select); coding-DNA position 55, C replaced by A.
Protein change: p.Leu19Met; replaces leucine 19 with methionine.
Molecular consequence: missense variant. On other transcripts: 5 prime UTR variant (1).
Genome position (GRCh38, 1-based): chr11:534,268, G>T on the plus strand (C>A on the coding strand, the complement: HRAS is on the minus strand). VCF-style: chr11-534268-G-T. GRCh37 (hg19) VCF-style: chr11-534268-G-T.
Other names: c.55C>A, p.Leu19Met (NM_001130442.3, NM_176795.5); c.-265C>A (NM_001318054.2); short protein forms L19M.
Identifiers: ClinVar variation 2416979 (VCV002416979.7), dbSNP rs2133994674, ClinGen allele CA378925856.
Genomic context (GRCh38, chr11:534,268, plus strand): 5'-TCACCTCTATAGTGGGGTCGTATTCGTCCACAAAATGGTTCTGGATCAGCTGGATGGTCA[G>T]CGCACTCTTGCCCACACCGCCGGCGCCCACCACCACCAGCTTATATTCCGTCATCGCTCC-3'
Protein context (NP_005334.1, residues 9-29): VGAGGVGKSA[Leu19Met]TIQLIQNHFV

ClinVar aggregate classification (germline): Uncertain significance (1 of 4 stars; one submission).

Conditions:
Costello syndrome (CSTLO). Also called: HRAS-Related Costello Syndrome; FACIOCUTANEOSKELETAL SYNDROME; FCS SYNDROME. Identifiers: Orphanet 3071, MedGen C0587248, MONDO:0009026, OMIM 218040.

Submission:

Labcorp Genetics (formerly Invitae), Labcorp
Classification: Uncertain significance for Costello syndrome. Last evaluated: 2021-12-02. Review status: criteria provided, single submitter. Criteria: Invitae Variant Classification Sherloc (09022015). Collection method: clinical testing. Allele origin: germline.
Comment: This sequence change replaces leucine, which is neutral and non-polar, with methionine, which is neutral and non-polar, at codon 19 of the HRAS protein (p.Leu19Met). This variant is not present in population databases (gnomAD no frequency). This variant has not been reported in the literature in individuals affected with HRAS-related conditions. Algorithms developed to predict the effect of missense changes on protein structure and function are either unavailable or do not agree on the potential impact of this missense change (SIFT: "Deleterious"; PolyPhen-2: "Probably Damaging"; Align-GVGD: "Class C0"). In summary, the available evidence is currently insufficient to determine the role of this variant in disease. Therefore, it has been classified as a Variant of Uncertain Significance.